The following is an entry in ClinVar:

NM_000085.5(CLCNKB):c.1874G>T (p.Gly625Val)

Genes: CLCNKB (chloride voltage-gated channel Kb; plus strand), LOC106501713 (CLCNKB recombination region; plus strand). Cytogenetic location: 1p36.13.
Variant type: single nucleotide variant.
Coding change: c.1874G>T on transcript NM_000085.5 (MANE Select); coding-DNA position 1874, G replaced by T.
Protein change: p.Gly625Val; replaces glycine 625 with valine.
Molecular consequence: missense variant.
Genome position (GRCh38, 1-based): chr1:16,055,703, G>T. VCF-style: chr1-16055703-G-T. GRCh37 (hg19) VCF-style: chr1-16382198-G-T.
Other names: c.1364G>T, p.Gly455Val (NM_001165945.2); c.1874G>T (NM_000085.3); short protein forms G625V, G455V.
Identifiers: ClinVar variation 3599593 (VCV003599593.3).

ClinVar aggregate classification (germline): Uncertain significance. Review status: criteria provided, multiple submitters, no conflicts (2 of 4 stars). 3 submissions from 3 submitters: Uncertain significance (3). Last evaluated 2025-06-12.

Conditions:
Inborn genetic diseases. Identifiers: MedGen C0950123, MeSH D030342.
Bartter disease type 3. Also called: Bartter syndrome type 3. Identifiers: Orphanet 112, Orphanet 93605, MedGen C1846343, MONDO:0011822, OMIM 607364.
Bartter disease type 4B. Also called: Bartter syndrome, type 4b, digenic; BARTTER SYNDROME, TYPE 4B; BARTTER SYNDROME, TYPE 4B, NEONATAL, WITH SENSORINEURAL DEAFNESS. Identifiers: Orphanet 112, MedGen C4310805, MONDO:0000909, OMIM 613090.

gnomAD v4.1: 37 of 1,613,884 alleles (0.0023%); highest among the groups gnomAD compares: African/African-American, 0.036%; 1 homozygote.

Submissions (3):

Labcorp Genetics (formerly Invitae), Labcorp
Classification: Uncertain significance. Last evaluated: 2025-06-12. Review status: criteria provided, single submitter. Criteria: Invitae Variant Classification Sherloc (09022015). Collection method: clinical testing. Allele origin: germline.
Comment: This sequence change replaces glycine, which is neutral and non-polar, with valine, which is neutral and non-polar, at codon 625 of the CLCNKB protein (p.Gly625Val). This variant is present in population databases (rs140538259, gnomAD 0.04%). This variant has not been reported in the literature in individuals affected with CLCNKB-related conditions. ClinVar contains an entry for this variant (Variation ID: 3599593). Invitae Evidence Modeling of protein sequence and biophysical properties (such as structural, functional, and spatial information, amino acid conservation, physicochemical variation, residue mobility, and thermodynamic stability) indicates that this missense variant is not expected to disrupt CLCNKB protein function with a negative predictive value of 80%. In summary, the available evidence is currently insufficient to determine the role of this variant in disease. Therefore, it has been classified as a Variant of Uncertain Significance.

Ambry Genetics
Classification: Uncertain significance for Inborn genetic diseases. Last evaluated: 2025-03-08. Review status: criteria provided, single submitter. Criteria: Ambry Variant Classification Scheme 2023. Collection method: clinical testing. Allele origin: germline.

Fulgent Genetics
Classification: Uncertain significance for Bartter disease type 3; Bartter disease type 4B. Last evaluated: 2024-01-23. Review status: criteria provided, single submitter. Criteria: ACMG Guidelines, 2015. Collection method: clinical testing. Allele origin: germline.